The following is an entry in ClinVar:

NM_015338.6(ASXL1):c.4127G>T (p.Gly1376Val)

Gene: ASXL1 (ASXL transcriptional regulator 1; plus strand). Cytogenetic location: 20q11.21.
Variant type: single nucleotide variant.
Coding change: c.4127G>T on transcript NM_015338.6 (MANE Select); coding-DNA position 4127, G replaced by T.
Protein change: p.Gly1376Val; replaces glycine 1376 with valine.
Molecular consequence: missense variant.
Genome position (GRCh38, 1-based): chr20:32,436,839, G>T. VCF-style: chr20-32436839-G-T. GRCh37 (hg19) VCF-style: chr20-31024642-G-T.
Other names: c.3944G>T, p.Gly1315Val (NM_001363734.1); short protein forms G1315V, G1376V.
Identifiers: ClinVar variation 3607333 (VCV003607333.2).

ClinVar aggregate classification (germline): Uncertain significance (1 of 4 stars; one submission).

Submission:

Labcorp Genetics (formerly Invitae), Labcorp
Classification: Uncertain significance. Last evaluated: 2025-03-17. Review status: criteria provided, single submitter. Criteria: Invitae Variant Classification Sherloc (09022015). Collection method: clinical testing. Allele origin: germline.
Comment: This sequence change replaces glycine, which is neutral and non-polar, with valine, which is neutral and non-polar, at codon 1376 of the ASXL1 protein (p.Gly1376Val). This variant is present in population databases (rs759156029, gnomAD 0.007%). This variant has not been reported in the literature in individuals affected with ASXL1-related conditions. An algorithm developed to predict the effect of missense changes on protein structure and function outputs the following: PolyPhen-2: "Benign". The valine amino acid residue is found in multiple mammalian species, which suggests that this missense change does not adversely affect protein function. In summary, the available evidence is currently insufficient to determine the role of this variant in disease. Therefore, it has been classified as a Variant of Uncertain Significance.